The following is an entry in ClinVar:

ClinVar aggregate classification (germline): Uncertain significance (1 of 4 stars; one submission).

Conditions:
Epidermolysis bullosa simplex 5B, with muscular dystrophy (EBS5B). Also called: EPIDERMOLYSIS BULLOSA SIMPLEX AND LIMB-GIRDLE MUSCULAR DYSTROPHY; Epidermolysis bullosa simplex with muscular dystrophy. Identifiers: Orphanet 257, MedGen C2931072, MONDO:0009181, OMIM 226670.
Epidermolysis bullosa simplex with nail dystrophy (EBS5D). Identifiers: MedGen C4225309, MONDO:0014661, OMIM 616487.
Epidermolysis bullosa simplex, Ogna type (EBS5A). Also called: EPIDERMOLYSIS BULLOSA SIMPLEX 5A, OGNA TYPE; Pidermolysis bullosa simplex 5A, Ogna type. Identifiers: Orphanet 79401, MedGen C0432317, MONDO:0007555, OMIM 131950.
Autosomal recessive limb-girdle muscular dystrophy type 2Q (LGMDR17). Also called: MUSCULAR DYSTROPHY, LIMB-GIRDLE, AUTOSOMAL RECESSIVE 17. Identifiers: Orphanet 254361, MedGen C3150989, MONDO:0013390, OMIM 613723.
Epidermolysis bullosa simplex 5C, with pyloric atresia (EBS5C). Also called: Epidermolysis bullosa simplex with pyloric atresia; PLEC-Related Epidermolysis Bullosa with Pyloric Atresia; PLEC1-Related Epidermolysis Bullosa with Pyloric Atresia. Identifiers: Orphanet 158684, MedGen C2677349, MONDO:0012807, OMIM 612138.

Submission:

Labcorp Genetics (formerly Invitae), Labcorp
Classification: Uncertain significance for Limb-girdle muscular dystrophy, type 2Q; Epidermolysis bullosa simplex, Ogna type; Epidermolysis bullosa simplex with nail dystrophy; Epidermolysis bullosa simplex with pyloric atresia; Epidermolysis bullosa simplex with muscular dystrophy. Last evaluated: 2019-05-11. Review status: criteria provided, single submitter. Criteria: Invitae Variant Classification Sherloc (09022015). Collection method: clinical testing. Allele origin: germline.
Comment: This sequence change falls in intron 22 of the PLEC gene. It does not directly change the encoded amino acid sequence of the PLEC protein. This variant is not present in population databases (ExAC no frequency). This variant has not been reported in the literature in individuals with PLEC-related conditions. Algorithms developed to predict the effect of sequence changes on RNA splicing suggest that this variant may disrupt the consensus splice site, but this prediction has not been confirmed by published transcriptional studies. In summary, the available evidence is currently insufficient to determine the role of this variant in disease. Therefore, it has been classified as a Variant of Uncertain Significance.

NM_201384.3(PLEC):c.2613-8C>G

Gene: PLEC (plectin; minus strand). Cytogenetic location: 8q24.3.
Variant type: single nucleotide variant.
Coding change: c.2613-8C>G on transcript NM_201384.3 (MANE Select); 8 bases into the intron before coding-DNA position 2613, C replaced by G.
Molecular consequence: intron variant.
Genome position (GRCh38, 1-based): chr8:143,930,070, G>C on the plus strand (C>G on the coding strand, the complement: PLEC is on the minus strand). VCF-style: chr8-143930070-G-C. GRCh37 (hg19) VCF-style: chr8-145004238-G-C.
Other names: c.2694-8C>G (NM_000445.5); c.2571-8C>G (NM_201378.4); c.2547-8C>G (NM_201379.3); c.3024-8C>G (NM_201380.4); c.2517-8C>G (NM_201381.3); c.2613-8C>G (NM_201382.4); c.2625-8C>G (NM_201383.3).
Identifiers: ClinVar variation 946880 (VCV000946880.1), dbSNP rs376936955, ClinGen allele CA1139660806.